The following is an entry in ClinVar:

NM_001199397.3(NEK1):c.642G>A (p.Lys214=)

Gene: NEK1 (NIMA related kinase 1; minus strand). Cytogenetic location: 4q33.
Variant type: single nucleotide variant.
Coding change: c.642G>A on transcript NM_001199397.3 (MANE Select); coding-DNA position 642, G replaced by A.
Protein change: p.Lys214=; no amino-acid change (lysine 214 retained).
Molecular consequence: synonymous variant. On other transcripts: non-coding transcript variant (2).
Genome position (GRCh38, 1-based): chr4:169,585,514, C>T on the plus strand (G>A on the coding strand, the complement: NEK1 is on the minus strand). VCF-style: chr4-169585514-C-T. GRCh37 (hg19) VCF-style: chr4-170506665-C-T.
Other names: c.642G>A (NM_012224.3); c.642G>A, p.Lys214= (NM_001199398.3, NM_001199399.3, NM_001199400.3 and 7 more transcripts).
Identifiers: ClinVar variation 348122 (VCV000348122.14), dbSNP rs369725706, ClinGen allele CA3137980.

ClinVar aggregate classification (germline): Conflicting classifications of pathogenicity. Review status: criteria provided, conflicting classifications (1 of 4 stars). 4 submissions from 4 submitters: Uncertain significance (3); Likely benign (1). Last evaluated 2025-01-31.

Conditions:
Short-rib thoracic dysplasia 6 with or without polydactyly (SRTD6). Also called: Majewski Syndrome; SHORT-RIB THORACIC DYSPLASIA 6 WITH POLYDACTYLY; SHORT-RIB THORACIC DYSPLASIA 6 WITHOUT POLYDACTYLY; POLYDACTYLY WITH NEONATAL CHONDRODYSTROPHY, TYPE II; SHORT RIB-POLYDACTYLY SYNDROME, TYPE IIA. Identifiers: MedGen C0024507, MONDO:0009894, OMIM 263520.
NEK1-related disorder. Also called: NEK1-related condition.
Mohr syndrome (OFD2). Also called: OFDS II; ORAL-FACIAL-DIGITAL SYNDROME, TYPE II; OROFACIODIGITAL SYNDROME II. Identifiers: Orphanet 2751, MedGen C0026363, MONDO:0009642, OMIM 252100.
Amyotrophic lateral sclerosis, susceptibility to, 24. Identifiers: MedGen C4693523, MONDO:0054750, OMIM 617892.

Allele frequency attached by ClinVar (database versions not stated): gnomAD 0.00010 and 0.00009; TOPMed 0.00011; gnomAD exomes 0.00016 and 0.00008; ExAC 0.00005; ESP Exome Variant Server 0.00008.
gnomAD v4.1: 248 of 1,613,224 alleles (0.015%); highest among the groups gnomAD compares: Non-Finnish European, 0.02%; no homozygotes.

Submissions (4):

PreventionGenetics, part of Exact Sciences
Classification: Uncertain significance for NEK1-related condition. Last evaluated: 2025-01-31. Review status: criteria provided, single submitter. Criteria: ACMG Guidelines, 2015. Collection method: clinical testing. Allele origin: germline.
Comment: The NEK1 c.642G>A variant is not predicted to result in an amino acid change (p.=). This variant is predicted to alter splicing based on available splicing prediction programs (SpliceAI, Jaganathan et al. 2019. PubMed ID: 30661751). However, the use of computer prediction programs is not equivalent to functional evidence. To our knowledge, this variant has not been reported in the literature. This variant is reported in 0.016% of alleles in individuals of European (Non-Finnish) descent in gnomAD. At this time, the clinical significance of this variant is uncertain due to the absence of conclusive functional and genetic evidence.

Labcorp Genetics (formerly Invitae), Labcorp
Classification: Likely benign for Short-rib thoracic dysplasia 6 with or without polydactyly. Last evaluated: 2024-10-07. Review status: criteria provided, single submitter. Criteria: Invitae Variant Classification Sherloc (09022015). Collection method: clinical testing. Allele origin: germline.

Fulgent Genetics
Classification: Uncertain significance for Mohr syndrome; Short-rib thoracic dysplasia 6 with or without polydactyly; Amyotrophic lateral sclerosis, susceptibility to, 24. Last evaluated: 2024-01-30. Review status: criteria provided, single submitter. Criteria: ACMG Guidelines, 2015. Collection method: clinical testing. Allele origin: germline.

Illumina Laboratory Services, Illumina
Classification: Uncertain significance for Short-rib thoracic dysplasia 6 with or without polydactyly. Last evaluated: 2018-01-12. Review status: criteria provided, single submitter. Criteria: ICSL Variant Classification Criteria 13 December 2019. Collection method: clinical testing. Allele origin: germline.